The following is an entry in ClinVar:

NM_006080.3(SEMA3A):c.453+6G>A

Gene: SEMA3A (semaphorin 3A; minus strand). Cytogenetic location: 7q21.11.
Variant type: single nucleotide variant.
Coding change: c.453+6G>A on transcript NM_006080.3 (MANE Select); 6 bases into the intron after coding-DNA position 453, G replaced by A.
Molecular consequence: intron variant.
Genome position (GRCh38, 1-based): chr7:84,110,464, C>T on the plus strand (G>A on the coding strand, the complement: SEMA3A is on the minus strand). VCF-style: chr7-84110464-C-T. GRCh37 (hg19) VCF-style: chr7-83739780-C-T.
Identifiers: ClinVar variation 3351895 (VCV003351895.1).

ClinVar aggregate classification (germline): Likely benign (0 of 4 stars; one submission).

Conditions:
SEMA3A-related disorder. Also called: SEMA3A-related condition.

gnomAD v4.1: 26 of 1,613,300 alleles (0.0016%); highest among the groups gnomAD compares: East Asian, 0.0022%; no homozygotes.

Submission:

PreventionGenetics, part of Exact Sciences
Classification: Likely benign for SEMA3A-related condition. Last evaluated: 2024-05-06. Review status: no assertion criteria provided. Collection method: clinical testing. Allele origin: germline.
Comment: This variant is classified as likely benign based on ACMG/AMP sequence variant interpretation guidelines (Richards et al. 2015 PMID: 25741868, with internal and published modifications).